The following is an entry in ClinVar:

NM_005591.4(MRE11):c.314+1G>A

Gene: MRE11 (MRE11 double strand break repair nuclease; minus strand). Cytogenetic location: 11q21.
Variant type: single nucleotide variant.
Coding change: c.314+1G>A on transcript NM_005591.4 (MANE Select); the canonical splice donor site of the intron after coding-DNA position 314, G replaced by A.
Molecular consequence: splice donor variant.
Genome position (GRCh38, 1-based): chr11:94,485,923, C>T on the plus strand (G>A on the coding strand, the complement: MRE11 is on the minus strand). VCF-style: chr11-94485923-C-T. GRCh37 (hg19) VCF-style: chr11-94219089-C-T.
Other names: c.314+1G>A (NM_001330347.2, NM_005590.4).
Identifiers: ClinVar variation 2850450 (VCV002850450.3), dbSNP rs2496618496, ClinGen allele CA382379333.
Genomic context (GRCh38, chr11:94,485,923, plus strand): 5'-GTCTTATACAGCAAATACCATACACAAGTAATCACTCACTCAAGTAAATAAATATACTTA[C>T]TTACTAAAACCAAAGTTGACTGACTGATCACTGAGAATTTCAAACTGGACAGGCCGATCA-3'

ClinVar aggregate classification (germline): Likely pathogenic (1 of 4 stars; one submission).

Conditions:
Ataxia-telangiectasia-like disorder (ATLD). Identifiers: MedGen C1858391, MONDO:0011457.

Submission:

Labcorp Genetics (formerly Invitae), Labcorp
Classification: Likely pathogenic for Ataxia-telangiectasia-like disorder. Last evaluated: 2023-03-28. Review status: criteria provided, single submitter. Criteria: Invitae Variant Classification Sherloc (09022015). Collection method: clinical testing. Allele origin: germline.
Comment: This variant has not been reported in the literature in individuals affected with MRE11-related conditions. This variant is not present in population databases (gnomAD no frequency). This sequence change affects a donor splice site in intron 4 of the MRE11 gene. It is expected to disrupt RNA splicing. Variants that disrupt the donor or acceptor splice site typically lead to a loss of protein function (PMID: 16199547), and loss-of-function variants in MRE11 are known to be pathogenic (PMID: 23080121, 23912341). Algorithms developed to predict the effect of sequence changes on RNA splicing suggest that this variant may disrupt the consensus splice site. In summary, the currently available evidence indicates that the variant is pathogenic, but additional data are needed to prove that conclusively. Therefore, this variant has been classified as Likely Pathogenic.

Literature cited by the submitters: PubMed 16199547; PubMed 23080121; PubMed 23912341.